The following is an entry in ClinVar:

NM_080680.3(COL11A2):c.710A>C (p.Gln237Pro)

Gene: COL11A2 (collagen type XI alpha 2 chain; minus strand). Cytogenetic location: 6p21.32.
Variant type: single nucleotide variant.
Coding change: c.710A>C on transcript NM_080680.3 (MANE Select); coding-DNA position 710, A replaced by C.
Protein change: p.Gln237Pro; replaces glutamine 237 with proline.
Molecular consequence: missense variant. On other transcripts: 5 prime UTR variant (3), non-coding transcript variant (1).
Genome position (GRCh38, 1-based): chr6:33,186,715, T>G on the plus strand (A>C on the coding strand, the complement: COL11A2 is on the minus strand). VCF-style: chr6-33186715-T-G. GRCh37 (hg19) VCF-style: chr6-33154492-T-G.
Other names: c.710A>C, p.Gln237Pro (NM_001163771.2, NM_001424108.1, NM_080679.3 and 1 more transcripts); c.-137A>C (NM_001424109.1, NM_001424110.1, NM_001424111.1); c.710A>C (NM_080680.2); short protein forms Q237P.
Identifiers: ClinVar variation 2915107 (VCV002915107.4), dbSNP rs2535504102, ClinGen allele CA363610295.

ClinVar aggregate classification (germline): Uncertain significance. Review status: criteria provided, multiple submitters, no conflicts (2 of 4 stars). 2 submissions from 2 submitters: Uncertain significance (2). Last evaluated 2025-05-25.

Conditions:
Inborn genetic diseases. Identifiers: MedGen C0950123, MeSH D030342.

gnomAD v4.1: 1 of 1,614,040 alleles (0.000062%); no homozygotes.

Submissions (2):

Ambry Genetics
Classification: Uncertain significance for Inborn genetic diseases. Last evaluated: 2025-05-25. Review status: criteria provided, single submitter. Criteria: Ambry Variant Classification Scheme 2023. Collection method: clinical testing. Allele origin: germline.

Labcorp Genetics (formerly Invitae), Labcorp
Classification: Uncertain significance. Last evaluated: 2024-01-29. Review status: criteria provided, single submitter. Criteria: Invitae Variant Classification Sherloc (09022015). Collection method: clinical testing. Allele origin: germline.
Comment: This sequence change replaces glutamine, which is neutral and polar, with proline, which is neutral and non-polar, at codon 237 of the COL11A2 protein (p.Gln237Pro). This variant is not present in population databases (gnomAD no frequency). This variant has not been reported in the literature in individuals affected with COL11A2-related conditions. Advanced modeling of protein sequence and biophysical properties (such as structural, functional, and spatial information, amino acid conservation, physicochemical variation, residue mobility, and thermodynamic stability) performed at Invitae indicates that this missense variant is not expected to disrupt COL11A2 protein function with a negative predictive value of 95%. In summary, the available evidence is currently insufficient to determine the role of this variant in disease. Therefore, it has been classified as a Variant of Uncertain Significance.